The following is an entry in ClinVar:

NM_006361.6(HOXB13):c.777G>A (p.Gln259=)

Gene: HOXB13 (homeobox B13; minus strand). Cytogenetic location: 17q21.32.
Variant type: single nucleotide variant.
Coding change: c.777G>A on transcript NM_006361.6 (MANE Select); coding-DNA position 777, G replaced by A.
Protein change: p.Gln259=; no amino-acid change (glutamine 259 retained).
Molecular consequence: synonymous variant.
Genome position (GRCh38, 1-based): chr17:48,726,868, C>T on the plus strand (G>A on the coding strand, the complement: HOXB13 is on the minus strand). VCF-style: chr17-48726868-C-T. GRCh37 (hg19) VCF-style: chr17-46804230-C-T.
Identifiers: ClinVar variation 3620385 (VCV003620385.3).
Genomic context (GRCh38, chr17:48,726,868, plus strand): 5'-CTTCACCTTGGCGAGAACCTTCTTCTCTTTGACCCGGCGGTTCTGAAACCAGATGGTAAT[C>T]TGGCGCTCCGAGAGGCTGGTGGCTGCCGAGATCTTGCGCCTCTTGTCCTTGGTGATGAAC-3'
Protein context (NP_006352.2, residues 249-269): ISAATSLSER[Gln259=]ITIWFQNRRV

ClinVar aggregate classification (germline): Benign/Likely benign. Review status: criteria provided, multiple submitters, no conflicts (2 of 4 stars). 2 submissions from 2 submitters: Benign (1); Likely benign (1). Last evaluated 2024-10-31.

Conditions:
Prostate cancer, hereditary, 9 (HPC9). Identifiers: Orphanet 1331, MedGen C1970250, MONDO:0012597, OMIM 610997.

Submissions (2):

Myriad Genetics, Inc.
Classification: Benign for Prostate cancer, hereditary, 9. Last evaluated: 2024-10-31. Review status: criteria provided, single submitter. Criteria: Myriad Autosomal Dominant, Autosomal Recessive and X-Linked Classification Criteria (2023). Collection method: clinical testing. Allele origin: unknown.
Comment: This variant is considered benign. This variant is a silent/synonymous amino acid change and it is not expected to impact splicing.

Labcorp Genetics (formerly Invitae), Labcorp
Classification: Likely benign. Last evaluated: 2024-08-31. Review status: criteria provided, single submitter. Criteria: Invitae Variant Classification Sherloc (09022015). Collection method: clinical testing. Allele origin: germline.